The following is an entry in ClinVar:

ClinVar aggregate classification (germline): Likely benign (1 of 4 stars; one submission).

Allele frequency attached by ClinVar (database versions not stated): 1000 Genomes Project 0.00715; 1000 Genomes Project 30x 0.00770; gnomAD 0.01889 and 0.01918; TOPMed 0.01905.
gnomAD v4.1: 2,123 of 112,314 alleles (1.9%); highest among the groups gnomAD compares: Middle Eastern, 5.5%; 32 homozygotes.

Submission:

GeneDx
Classification: Likely benign. Last evaluated: 2018-06-16. Review status: criteria provided, single submitter. Criteria: GeneDx Variant Classification (06012015). Collection method: clinical testing. Allele origin: germline. Affected: yes.
Comment: This variant is considered likely benign or benign based on one or more of the following criteria: it is a conservative change, it occurs at a poorly conserved position in the protein, it is predicted to be benign by multiple in silico algorithms, and/or has population frequency not consistent with disease.

NM_002637.4(PHKA1):c.919-190C>T

Gene: PHKA1 (phosphorylase kinase regulatory subunit alpha 1; minus strand). Cytogenetic location: Xq13.1.
Variant type: single nucleotide variant.
Coding change: c.919-190C>T on transcript NM_002637.4 (MANE Select); 190 bases into the intron before coding-DNA position 919, C replaced by T.
Molecular consequence: intron variant.
Genome position (GRCh38, 1-based): chrX:72,656,432, G>A on the plus strand (C>T on the coding strand, the complement: PHKA1 is on the minus strand). VCF-style: chrX-72656432-G-A. GRCh37 (hg19) VCF-style: chrX-71876282-G-A.
Other names: c.919-190C>T (NM_001172436.2, NM_001122670.2).
Identifiers: ClinVar variation 677465 (VCV000677465.1), dbSNP rs141910303, ClinGen allele CA15008583.